The following is an entry in ClinVar:

NM_001172303.3(MASTL):c.2367T>C (p.Asn789=)

Gene: MASTL (microtubule associated serine/threonine kinase like; plus strand). Cytogenetic location: 10p12.1.
Variant type: single nucleotide variant.
Coding change: c.2367T>C on transcript NM_001172303.3 (MANE Select); coding-DNA position 2367, T replaced by C.
Protein change: p.Asn789=; no amino-acid change (asparagine 789 retained).
Molecular consequence: synonymous variant. On other transcripts: non-coding transcript variant (1), intron variant (1).
Genome position (GRCh38, 1-based): chr10:27,181,053, T>C. VCF-style: chr10-27181053-T-C. GRCh37 (hg19) VCF-style: chr10-27469982-T-C.
Other names: c.2379T>C, p.Asn793= (NM_001320756.2); c.2382T>C, p.Asn794= (NM_001320757.2); c.1899T>C, p.Asn633= (NM_001372029.1); c.1884T>C, p.Asn628= (NM_001372030.1); c.2364T>C, p.Asn788= (NM_032844.5); c.2264-427T>C (NM_001172304.3).
Identifiers: ClinVar variation 4981976 (VCV004981976.1).

ClinVar aggregate classification (germline): Likely benign (1 of 4 stars; one submission).

Conditions:
MASTL-related disorder. Also called: MASTL-related condition.

Submission:

PreventionGenetics, part of Exact Sciences
Classification: Likely benign for MASTL-related condition. Last evaluated: 2026-01-22. Review status: criteria provided, single submitter. Criteria: ACMG Guidelines, 2015. Collection method: clinical testing. Allele origin: germline.
Comment: This variant is classified as likely benign based on ACMG/AMP sequence variant interpretation guidelines (Richards et al. 2015 PMID: 25741868, with internal and published modifications).